The following is an entry in ClinVar:

ClinVar aggregate classification (germline): Conflicting classifications of pathogenicity. Review status: criteria provided, conflicting classifications (1 of 4 stars). 3 submissions from 3 submitters: Uncertain significance (2); Likely benign (1). Last evaluated 2026-01-10.

Allele frequency attached by ClinVar (database versions not stated): TOPMed 0.00009; 1000 Genomes Project 30x 0.00016.
gnomAD v4.1: 23 of 1,603,338 alleles (0.0014%); highest among the groups gnomAD compares: East Asian, 0.018%; no homozygotes.

Submissions (3):

GeneDx
Classification: Uncertain significance. Last evaluated: 2026-01-10. Review status: criteria provided, single submitter. Criteria: GeneDx Variant Classification Process June 2021. Collection method: clinical testing. Allele origin: germline. Affected: yes.
Comment: Has not been previously published as pathogenic or benign to our knowledge; Not observed at significant frequency in large population cohorts (gnomAD); In silico analysis suggests that this missense variant does not alter protein structure/function

Labcorp Genetics (formerly Invitae), Labcorp
Classification: Likely benign. Last evaluated: 2025-10-09. Review status: criteria provided, single submitter. Criteria: Invitae Variant Classification Sherloc (09022015). Collection method: clinical testing. Allele origin: germline.

Blueprint Genetics
Classification: Uncertain significance. Last evaluated: 2022-11-03. Review status: criteria provided, single submitter. Criteria: ACMG Guidelines, 2015. Collection method: clinical testing. Allele origin: germline.

NM_080680.3(COL11A2):c.4933G>A (p.Val1645Ile)

Gene: COL11A2 (collagen type XI alpha 2 chain; minus strand). Cytogenetic location: 6p21.32.
Variant type: single nucleotide variant.
Coding change: c.4933G>A on transcript NM_080680.3 (MANE Select); coding-DNA position 4933, G replaced by A.
Protein change: p.Val1645Ile; replaces valine 1645 with isoleucine.
Molecular consequence: missense variant.
Genome position (GRCh38, 1-based): chr6:33,164,404, C>T on the plus strand (G>A on the coding strand, the complement: COL11A2 is on the minus strand). VCF-style: chr6-33164404-C-T. GRCh37 (hg19) VCF-style: chr6-33132181-C-T.
Other names: c.4612G>A, p.Val1538Ile (NM_080679.3); c.4675G>A, p.Val1559Ile (NM_080681.3); short protein forms V1538I, V1559I, V1645I.
Identifiers: ClinVar variation 1254580 (VCV001254580.14), dbSNP rs556677734, ClinGen allele CA3749949.